The following is an entry in ClinVar:

NM_007347.5(AP4E1):c.567del (p.Leu190fs)

Gene: AP4E1 (adaptor related protein complex 4 subunit epsilon 1; plus strand). Cytogenetic location: 15q21.2.
Variant type: Deletion.
Coding change: c.567del on transcript NM_007347.5 (MANE Select); coding-DNA position 567, one base deleted (T; older notation c.567delT).
Protein change: p.Leu190fs; shifts the reading frame from leucine 190.
Molecular consequence: frameshift variant.
Genome position (GRCh38, 1-based): chr15:50,929,033, T deleted; the last of 2 consecutive T bases (chr15:50,929,032-50,929,033); deleting either gives the same sequence. VCF-style (leftmost placement, unchanged base first): chr15-50929031-GT-G. GRCh37 (hg19) VCF-style: chr15-51221228-GT-G.
Other names: c.342del, p.Leu115fs (NM_001252127.2); short protein forms L190fs, L115fs.
Identifiers: ClinVar variation 4979713 (VCV004979713.1).
Genomic context (GRCh38, chr15:50,929,031, plus strand): 5'-TCAGATTGTCTTGTTTAAATTTCATTTTTTGTCTTCAGGGAGATTGTACGAAGAAAAGCT[GT>G]TCTGGCATTATACAAATTCCATCTCATTGCTCCTAATCAAGTACAACATATTCATATTAA-3'

ClinVar aggregate classification (germline): Pathogenic (1 of 4 stars; one submission).

Conditions:
AP4E1-related disorder. Also called: AP4E1-related condition.

Submission:

PreventionGenetics, part of Exact Sciences
Classification: Pathogenic for AP4E1-related condition. Last evaluated: 2026-01-08. Review status: criteria provided, single submitter. Criteria: ACMG Guidelines, 2015. Collection method: clinical testing. Allele origin: germline.
Comment: The AP4E1 c.567delT variant is predicted to result in a frameshift and premature protein termination (p.Leu190Trpfs*43). This variant was reported, in the compound heterozygous state with a deep intronic variant (c.151-542G>A) that was shown to impact splicing, in an infant with undiagnosed hypotonia (Jaramillo Oquendo et al. 2024. PubMed ID: 39252027). This variant is reported in 0.0035% of alleles in individuals of European (Non-Finnish) descent in gnomAD. Frameshift variants in AP4E1 are expected to be pathogenic. This variant is interpreted as pathogenic.